The following is an entry in ClinVar:

ClinVar aggregate classification (germline): Uncertain significance (1 of 4 stars; one submission).

Conditions:
Developmental and epileptic encephalopathy 94 (DEE94). Also called: Epileptic encephalopathy, childhood-onset; CHD2-Related Neurodevelopmental Disorders. Identifiers: Orphanet 1942, Orphanet 2382, MedGen C3809278, MONDO:0014150, OMIM 615369.

gnomAD v4.1: 9 of 1,614,146 alleles (0.00056%); highest among the groups gnomAD compares: South Asian, 0.0022%; no homozygotes.

Submission:

Labcorp Genetics (formerly Invitae), Labcorp
Classification: Uncertain significance for Developmental and epileptic encephalopathy 94. Last evaluated: 2024-03-03. Review status: criteria provided, single submitter. Criteria: Invitae Variant Classification Sherloc (09022015). Collection method: clinical testing. Allele origin: germline.
Comment: This sequence change replaces glycine, which is neutral and non-polar, with tryptophan, which is neutral and slightly polar, at codon 1574 of the CHD2 protein (p.Gly1574Trp). This variant is present in population databases (rs375612058, gnomAD 0.003%). This variant has not been reported in the literature in individuals affected with CHD2-related conditions. Advanced modeling of protein sequence and biophysical properties (such as structural, functional, and spatial information, amino acid conservation, physicochemical variation, residue mobility, and thermodynamic stability) performed at Invitae indicates that this missense variant is not expected to disrupt CHD2 protein function with a negative predictive value of 95%. In summary, the available evidence is currently insufficient to determine the role of this variant in disease. Therefore, it has been classified as a Variant of Uncertain Significance.

NM_001271.4(CHD2):c.4720G>T (p.Gly1574Trp)

Gene: CHD2 (chromodomain helicase DNA binding protein 2; plus strand). Cytogenetic location: 15q26.1.
Variant type: single nucleotide variant.
Coding change: c.4720G>T on transcript NM_001271.4 (MANE Select); coding-DNA position 4720, G replaced by T.
Protein change: p.Gly1574Trp; replaces glycine 1574 with tryptophan.
Molecular consequence: missense variant.
Genome position (GRCh38, 1-based): chr15:93,014,723, G>T. VCF-style: chr15-93014723-G-T. GRCh37 (hg19) VCF-style: chr15-93557953-G-T.
Other names: short protein forms G1574W.
Identifiers: ClinVar variation 3715908 (VCV003715908.2).
Genomic context (GRCh38, chr15:93,014,723, plus strand): 5'-CTTGAGCTTCTTTGGTTTCCTTTTACTCTTTAGGAGCAAAAGAAGAAAGACGACGTGACT[G>T]GGGGTAAGAAACCATTTCGTCCAGAGGCCTCAGGCTCCAGCCGGGACTCTCTGATATCTC-3'
Protein context (NP_001262.3, residues 1564-1584): EEQKKKDDVT[Gly1574Trp]GKKPFRPEAS